The following is an entry in ClinVar:

GRCh38/hg38 1q21.1(chr1:145822587-146064587)x1

Genes: ANKRD34A (ankyrin repeat domain 34A; minus strand), ANKRD35 (ankyrin repeat domain 35; minus strand), ANKRD35-DT (ANKRD35 divergent transcript; plus strand), HJV (hemojuvelin BMP co-receptor; minus strand), ITGA10 (integrin subunit alpha 10; minus strand) and 45 more. Cytogenetic location: 1q21.1.
Variant type: copy number loss.
Change: copy number 1 (one copy instead of two) of chr1:145,822,587-146,064,587 (242.0 kb, GRCh38 coordinates, 1-based), cytogenetic band 1q21.1.
Identifiers: ClinVar variation 2579208 (VCV002579208.1).

ClinVar aggregate classification (germline): Pathogenic (1 of 4 stars; one submission).

Conditions:
Radial aplasia-thrombocytopenia syndrome (TAR). Also called: TAR syndrome; Thrombocytopenia Absent Radius Syndrome. Identifiers: Orphanet 3320, MedGen C0175703, MeSH C536940, MONDO:0010121, OMIM 274000.

Submission:

Broad Center for Mendelian Genomics, Broad Institute of MIT and Harvard
Classification: Pathogenic for Radial aplasia-thrombocytopenia syndrome. Last evaluated: 2023-08-24. Review status: criteria provided, single submitter. Criteria: ACMG/ClinGen CNV Guidelines, 2019. Collection method: research. Allele origin: inherited. Inheritance: Autosomal recessive inheritance. Affected: yes.
Comment: Inheritance information is unavailable. The patient phenotype is nonspecific, but is consistent with cases described in the literature and/or published databases with overlapping variants. A deletion with similar genetic overlap has been reported in ClinVar (Variation ID: 59870) and has been interpreted as pathogenic by ISCA site 6. Deletions of similar genetic content in trans with a pathogenic variant have also been reported in many individuals in the literature with thrombocytopenia-absent radius syndrome (PMID: 22366785). Of these affected individuals, 17 were compound heterozygotes with the same c.-21A>G pathogenic variant in trans, which increases the likelihood that this multigenic deletion is pathogenic (PMID: 22366785). There are no known haploinsufficient genes contained within the deleted region, however loss of function of RMB8A is an established disease mechanism in autosomal recessive thrombocytopenia-absent radius syndrome. A deletion of similar genetic content to this variant has been identified in 0.03% (2/7534) of European chromosomes by the Genome Aggregation Database (gnomAD; Structural variant: DEL_1_7663). Although deletions overlapping the region of this CNV have been seen in the general population in a heterozygous state, its frequency is not high enough to rule out a pathogenic role. In summary, this variant meets criteria to be classified as pathogenic for autosomal recessive thrombocytopenia-absent radius syndrome. The ACMG/ClinGen evidence codes and points used in this curation are as follows: 1: 0 points, 2: 0 points, 3: 0 points, 4-5: 5.4 points; Total: 5.4 points; Riggs 2020 (PMID: 31690835).

Literature cited by the submitters: PubMed 22366785.